The following is an entry in ClinVar:

ClinVar aggregate classification (germline): Conflicting classifications of pathogenicity. Review status: criteria provided, conflicting classifications (1 of 4 stars). 13 submissions from 13 submitters: Uncertain significance (1); Benign (4); Likely benign (4). 4 of the submissions do not count toward it. Last evaluated 2026-09-01.

Conditions:
Noonan syndrome and Noonan-related syndrome. Identifiers: Orphanet 98733, MedGen C5681679, MONDO:0020297.
LZTR1-related disorder. Also called: LZTR1-related disorders; LZTR1-related condition.
Hereditary cancer-predisposing syndrome. Also called: Hereditary Cancer Syndrome; Neoplastic Syndromes, Hereditary; Hereditary neoplastic syndrome; Tumor predisposition. Identifiers: Orphanet 140162, MedGen C0027672, MeSH D009386, MONDO:0015356.
Cardiovascular phenotype. Identifiers: MedGen CN230736.

Allele frequency attached by ClinVar (database versions not stated): ESP Exome Variant Server 0.00085; 1000 Genomes Project 30x 0.00094; 1000 Genomes Project 0.00120; TOPMed 0.00143; gnomAD 0.00155 and 0.00158; gnomAD exomes 0.00184; ExAC 0.00248.
gnomAD v4.1: 2,749 of 1,602,810 alleles (0.17%); highest among the groups gnomAD compares: Middle Eastern, 0.4%; 9 homozygotes.

Submissions (13):

CeGaT Center for Human Genetics Tuebingen
Classification: Likely benign. Last evaluated: 2026-09-01. Review status: criteria provided, single submitter. Criteria: CeGaT Center For Human Genetics Tuebingen Variant Classification Criteria Version 2. Collection method: clinical testing. Allele origin: germline. Affected: yes. Observed: 37 variant alleles.
Comment: LZTR1: BP4, BP7

Labcorp Genetics (formerly Invitae), Labcorp
Classification: Benign. Last evaluated: 2026-02-03. Review status: criteria provided, single submitter. Criteria: Invitae Variant Classification Sherloc (09022015). Collection method: clinical testing. Allele origin: germline.

ARUP Laboratories, Molecular Genetics and Genomics, ARUP Laboratories
Classification: Likely benign. Last evaluated: 2025-03-27. Review status: criteria provided, single submitter. Criteria: ARUP Molecular Germline Variant Investigation Process 2024. Collection method: clinical testing. Allele origin: germline.

Blueprint Genetics
Classification: Likely benign. Last evaluated: 2024-11-20. Review status: criteria provided, single submitter. Criteria: ACMG Guidelines, 2015. Collection method: clinical testing. Allele origin: germline.

Institute for Clinical Genetics, University Hospital TU Dresden, University Hospital TU Dresden
Classification: Uncertain significance. Last evaluated: 2021-11-03. Review status: criteria provided, single submitter. Criteria: ACMG Guidelines, 2015. Collection method: clinical testing. Allele origin: germline.

Genome Diagnostics Laboratory, The Hospital for Sick Children
Classification: Benign for Noonan syndrome and Noonan-related syndrome. Last evaluated: 2020-11-02. Review status: criteria provided, single submitter. Criteria: ACMG Guidelines, 2015. Collection method: clinical testing. Allele origin: germline.

Ambry Genetics
Classification: Likely benign for Cardiovascular phenotype; Hereditary cancer-predisposing syndrome. Last evaluated: 2020-08-12. Review status: criteria provided, single submitter. Criteria: Ambry Variant Classification Scheme 2023. Collection method: clinical testing. Allele origin: germline.

Women's Health and Genetics/Laboratory Corporation of America, LabCorp
Classification: Benign. Last evaluated: 2019-09-06. Review status: criteria provided, single submitter. Criteria: LabCorp Variant Classification Summary - May 2015. Collection method: clinical testing. Allele origin: germline.

GeneDx
Classification: Benign. Last evaluated: 2017-02-17. Review status: criteria provided, single submitter. Criteria: GeneDx Variant Classification (06012015). Collection method: clinical testing. Allele origin: germline. Affected: yes.
Comment: This variant is considered likely benign or benign based on one or more of the following criteria: it is a conservative change, it occurs at a poorly conserved position in the protein, it is predicted to be benign by multiple in silico algorithms, and/or has population frequency not consistent with disease.

PreventionGenetics, part of Exact Sciences
Classification: Benign for LZTR1-related condition. Last evaluated: 2021-10-29. Review status: no assertion criteria provided. Collection method: clinical testing. Allele origin: germline. Not counted in ClinVar's aggregate classification.
Comment: This variant is classified as benign based on ACMG/AMP sequence variant interpretation guidelines (Richards et al. 2015 PMID: 25741868, with internal and published modifications).

Clinical Genetics DNA and cytogenetics Diagnostics Lab, Erasmus MC, Erasmus Medical Center
Classification: Likely benign. Review status: no assertion criteria provided. Collection method: clinical testing. Allele origin: germline. Affected: yes. Study: VKGL Data-share Consensus. Not counted in ClinVar's aggregate classification.

Genome Diagnostics Laboratory, Amsterdam University Medical Center
Classification: Likely benign. Review status: no assertion criteria provided. Collection method: clinical testing. Allele origin: germline. Affected: yes. Study: VKGL Data-share Consensus. Not counted in ClinVar's aggregate classification.

Genome Diagnostics Laboratory, University Medical Center Utrecht
Classification: Benign. Review status: no assertion criteria provided. Collection method: clinical testing. Allele origin: germline. Affected: yes. Study: VKGL Data-share Consensus. Not counted in ClinVar's aggregate classification.

NM_006767.4(LZTR1):c.1530C>T (p.His510=)

Gene: LZTR1 (leucine zipper like post translational regulator 1; plus strand). Cytogenetic location: 22q11.21.
Variant type: single nucleotide variant.
Coding change: c.1530C>T on transcript NM_006767.4 (MANE Select); coding-DNA position 1530, C replaced by T.
Protein change: p.His510=; no amino-acid change (histidine 510 retained).
Molecular consequence: synonymous variant.
Genome position (GRCh38, 1-based): chr22:20,994,184, C>T. VCF-style: chr22-20994184-C-T. GRCh37 (hg19) VCF-style: chr22-21348473-C-T.
Identifiers: ClinVar variation 516186 (VCV000516186.55), dbSNP rs190714197, ClinGen allele CA10118928.